The following is an entry in ClinVar:

ClinVar aggregate classification (germline): Uncertain significance (1 of 4 stars; one submission).

Conditions:
Tumor predisposition syndrome 3 (TPDS3). Also called: Melanoma, cutaneous malignant, susceptibility to, 10; Glioma susceptibility 9; LONG TELOMERE SYNDROME, POT1-RELATED; POT1 Tumor Predisposition. Identifiers: Orphanet 618, MedGen C4014476, MONDO:0014368, OMIM 615848.

Submission:

Labcorp Genetics (formerly Invitae), Labcorp
Classification: Uncertain significance for Tumor predisposition syndrome 3. Last evaluated: 2022-07-08. Review status: criteria provided, single submitter. Criteria: Invitae Variant Classification Sherloc (09022015). Collection method: clinical testing. Allele origin: germline.
Comment: In summary, the available evidence is currently insufficient to determine the role of this variant in disease. Therefore, it has been classified as a Variant of Uncertain Significance. Algorithms developed to predict the effect of missense changes on protein structure and function are either unavailable or do not agree on the potential impact of this missense change (SIFT: "Deleterious"; PolyPhen-2: "Possibly Damaging"; Align-GVGD: "Class C0"). This variant has not been reported in the literature in individuals affected with POT1-related conditions. This variant is not present in population databases (gnomAD no frequency). This sequence change replaces serine, which is neutral and polar, with leucine, which is neutral and non-polar, at codon 571 of the POT1 protein (p.Ser571Leu).

NM_015450.3(POT1):c.1712C>T (p.Ser571Leu)

Gene: POT1 (protection of telomeres 1; minus strand). Cytogenetic location: 7q31.33.
Variant type: single nucleotide variant.
Coding change: c.1712C>T on transcript NM_015450.3 (MANE Select); coding-DNA position 1712, C replaced by T.
Protein change: p.Ser571Leu; replaces serine 571 with leucine.
Molecular consequence: missense variant. On other transcripts: non-coding transcript variant (3).
Genome position (GRCh38, 1-based): chr7:124,825,332, G>A on the plus strand (C>T on the coding strand, the complement: POT1 is on the minus strand). VCF-style: chr7-124825332-G-A. GRCh37 (hg19) VCF-style: chr7-124465386-G-A.
Other names: c.1319C>T, p.Ser440Leu (NM_001042594.2); short protein forms S440L, S571L.
Identifiers: ClinVar variation 2155797 (VCV002155797.4), dbSNP rs2485338466, ClinGen allele CA369062480.